The following is an entry in ClinVar:

NM_001306089.2(ZNF236):c.5345G>T (p.Cys1782Phe)

Gene: ZNF236 (zinc finger protein 236; plus strand). Cytogenetic location: 18q23.
Variant type: single nucleotide variant.
Coding change: c.5345G>T on transcript NM_001306089.2 (MANE Select); coding-DNA position 5345, G replaced by T.
Protein change: p.Cys1782Phe; replaces cysteine 1782 with phenylalanine.
Molecular consequence: missense variant.
Genome position (GRCh38, 1-based): chr18:76,960,781, G>T. VCF-style: chr18-76960781-G-T. GRCh37 (hg19) VCF-style: chr18-74672737-G-T.
Other names: NM_007345.4:c.5339G>T; c.5339G>T, p.Cys1780Phe (NM_007345.4); short protein forms C1780F, C1782F.
Identifiers: ClinVar variation 4819492 (VCV004819492.1).

ClinVar aggregate classification (germline): Uncertain significance (1 of 4 stars; one submission).

Conditions:
Neurodevelopmental disorder. Identifiers: MedGen C1535926, MeSH D065886, MONDO:0700092.

Submission:

Broad Center for Mendelian Genomics, Broad Institute of MIT and Harvard
Classification: Uncertain significance for Neurodevelopmental disorder. Last evaluated: 2026-03-02. Review status: criteria provided, single submitter. Criteria: ACMG Guidelines, 2015. Collection method: research. Allele origin: germline. Inheritance: Autosomal recessive inheritance.
Comment: Trio exome analysis revealed that this variant was in trans with the other variant of uncertain significance. The p.Cys1782Phe variant in ZNF236 has not been previously reported in the literature in individuals with neurodevelopmental disorders, and was absent from large population studies. Computational prediction tools and conservation analyses suggest that this variant may impact the protein, though this information is not predictive enough to determine an impact. The number of missense variants reported in ZNF236 in the general population is lower than expected, suggesting there is little benign variation in this gene and slightly increasing the possibility that a missense variant in this gene may not be tolerated. While variants in the ZNF236 gene have been reported in individuals with neurodevelopmental disorders, this association has not been definitively established. In summary, given the limited information about this gene-disease relationship, the significance of the p.Cys1782Phe variant is uncertain.